The following is an entry in ClinVar:

ClinVar aggregate classification (germline): Uncertain significance. Review status: criteria provided, single submitter (1 of 4 stars). 2 submissions from 2 submitters: Uncertain significance (1). 1 of the submissions does not count toward it. Last evaluated 2025-08-22.

Conditions:
LTBP4-related disorder. Also called: LTBP4-related condition.
Inborn genetic diseases. Identifiers: MedGen C0950123, MeSH D030342.

gnomAD v4.1: 5 of 1,612,838 alleles (0.00031%); highest among the groups gnomAD compares: Admixed American, 0.0067%; no homozygotes.

Submissions (2):

Ambry Genetics
Classification: Uncertain significance for Inborn genetic diseases. Last evaluated: 2025-08-22. Review status: criteria provided, single submitter. Criteria: Ambry Variant Classification Scheme 2023. Collection method: clinical testing. Allele origin: germline.

PreventionGenetics, part of Exact Sciences
Classification: Uncertain significance for LTBP4-related condition. Last evaluated: 2024-08-21. Review status: no assertion criteria provided. Collection method: clinical testing. Allele origin: germline. Not counted in ClinVar's aggregate classification.
Comment: The LTBP4 c.448G>T variant is predicted to result in the amino acid substitution p.Ala150Ser. To our knowledge, this variant has not been reported in the literature. This variant is reported in 0.0088% of alleles in individuals of Latino descent in gnomAD. At this time, the clinical significance of this variant is uncertain due to the absence of conclusive functional and genetic evidence.

NM_001042545.2(LTBP4):c.358G>T (p.Ala120Ser)

Gene: LTBP4 (latent transforming growth factor beta binding protein 4; plus strand). Cytogenetic location: 19q13.2.
Variant type: single nucleotide variant.
Coding change: c.358G>T on transcript NM_001042545.2 (MANE Select); coding-DNA position 358, G replaced by T.
Protein change: p.Ala120Ser; replaces alanine 120 with serine.
Molecular consequence: missense variant.
Genome position (GRCh38, 1-based): chr19:40,605,142, G>T. VCF-style: chr19-40605142-G-T. GRCh37 (hg19) VCF-style: chr19-41111048-G-T.
Other names: c.559G>T, p.Ala187Ser (NM_001042544.1); c.448G>T, p.Ala150Ser (NM_003573.2); short protein forms A120S, A150S, A187S.
Identifiers: ClinVar variation 3350565 (VCV003350565.2).